The following is an entry in ClinVar:

ClinVar aggregate classification (germline): Uncertain significance. Review status: criteria provided, multiple submitters, no conflicts (2 of 4 stars). 3 submissions from 3 submitters: Uncertain significance (3). Last evaluated 2024-01-14.

Conditions:
Inborn genetic diseases. Identifiers: MedGen C0950123, MeSH D030342.
BNAR syndrome. Also called: Bifid Nose With or Without Anorectal and Renal Anomalies (BNAR) Syndrome. Identifiers: Orphanet 217266, MedGen C2750433, MONDO:0012165, OMIM 608980.
Oculotrichoanal syndrome (MOTA). Also called: MARLES SYNDROME; Manitoba Oculotrichoanal (MOTA) Syndrome. Identifiers: Orphanet 2717, MedGen C1855425, MONDO:0009560, OMIM 248450.
Trigonocephaly 2 (TRIGNO2). Identifiers: Orphanet 3366, MedGen C3280974, MONDO:0013774, OMIM 614485.

Allele frequency attached by ClinVar (database versions not stated): ESP Exome Variant Server 0.00016.
gnomAD v4.1: 170 of 1,612,072 alleles (0.011%); highest among the groups gnomAD compares: Admixed American, 0.027%; no homozygotes.

Submissions (3):

Fulgent Genetics
Classification: Uncertain significance for Oculotrichoanal syndrome; BNAR syndrome; Trigonocephaly 2. Last evaluated: 2024-01-14. Review status: criteria provided, single submitter. Criteria: ACMG Guidelines, 2015. Collection method: clinical testing. Allele origin: germline.

Labcorp Genetics (formerly Invitae), Labcorp
Classification: Uncertain significance. Last evaluated: 2023-11-27. Review status: criteria provided, single submitter. Criteria: Invitae Variant Classification Sherloc (09022015). Collection method: clinical testing. Allele origin: germline.
Comment: This sequence change replaces threonine, which is neutral and polar, with isoleucine, which is neutral and non-polar, at codon 1415 of the FREM1 protein (p.Thr1415Ile). This variant is present in population databases (rs75677527, gnomAD 0.02%). This variant has not been reported in the literature in individuals affected with FREM1-related conditions. ClinVar contains an entry for this variant (Variation ID: 1988744). Advanced modeling of protein sequence and biophysical properties (such as structural, functional, and spatial information, amino acid conservation, physicochemical variation, residue mobility, and thermodynamic stability) performed at Invitae indicates that this missense variant is not expected to disrupt FREM1 protein function with a negative predictive value of 80%. In summary, the available evidence is currently insufficient to determine the role of this variant in disease. Therefore, it has been classified as a Variant of Uncertain Significance.

Ambry Genetics
Classification: Uncertain significance for Inborn genetic diseases. Last evaluated: 2021-09-16. Review status: criteria provided, single submitter. Criteria: Ambry Variant Classification Scheme 2023. Collection method: clinical testing. Allele origin: germline.

NM_001379081.2(FREM1):c.4244C>T (p.Thr1415Ile)

Gene: FREM1 (FRAS1 related extracellular matrix 1; minus strand). Cytogenetic location: 9p22.3.
Variant type: single nucleotide variant.
Coding change: c.4244C>T on transcript NM_001379081.2 (MANE Select); coding-DNA position 4244, C replaced by T.
Protein change: p.Thr1415Ile; replaces threonine 1415 with isoleucine.
Molecular consequence: missense variant. On other transcripts: non-coding transcript variant (1).
Genome position (GRCh38, 1-based): chr9:14,784,568, G>A on the plus strand (C>T on the coding strand, the complement: FREM1 is on the minus strand). VCF-style: chr9-14784568-G-A. GRCh37 (hg19) VCF-style: chr9-14784566-G-A.
Other names: c.4244C>T, p.Thr1415Ile (NM_144966.7); short protein forms T1415I.
Identifiers: ClinVar variation 1988744 (VCV001988744.4), dbSNP rs75677527, ClinGen allele CA4990244.